The following is an entry in ClinVar:

NM_000286.3(PEX12):c.455G>A (p.Trp152Ter)

Gene: PEX12 (peroxisomal biogenesis factor 12; minus strand). Cytogenetic location: 17q12.
Variant type: single nucleotide variant.
Coding change: c.455G>A on transcript NM_000286.3 (MANE Select); coding-DNA position 455, G replaced by A.
Protein change: p.Trp152Ter; replaces tryptophan 152 with a stop codon.
Molecular consequence: nonsense.
Genome position (GRCh38, 1-based): chr17:35,577,263, C>T on the plus strand (G>A on the coding strand, the complement: PEX12 is on the minus strand). VCF-style: chr17-35577263-C-T. GRCh37 (hg19) VCF-style: chr17-33904282-C-T.
Other names: short protein forms W152*.
Identifiers: ClinVar variation 2833727 (VCV002833727.3), dbSNP rs2509169869, ClinGen allele CA399138099.

ClinVar aggregate classification (germline): Pathogenic (1 of 4 stars; one submission).

Conditions:
Peroxisome biogenesis disorder 3A (Zellweger). Also called: PEROXISOMAL BIOGENESIS DISORDER 3A (ZELLWEGER); Peroxisome biogenesis disorder 3A. Identifiers: Orphanet 912, MedGen C3553929, MONDO:0013927, OMIM 614859.

Submission:

Labcorp Genetics (formerly Invitae), Labcorp
Classification: Pathogenic for Peroxisome biogenesis disorder 3A (Zellweger). Last evaluated: 2023-02-01. Review status: criteria provided, single submitter. Criteria: Invitae Variant Classification Sherloc (09022015). Collection method: clinical testing. Allele origin: germline.
Comment: This variant has not been reported in the literature in individuals affected with PEX12-related conditions. This sequence change creates a premature translational stop signal (p.Trp152*) in the PEX12 gene. It is expected to result in an absent or disrupted protein product. Loss-of-function variants in PEX12 are known to be pathogenic (PMID: 9090384, 9632816, 21031596). This variant is not present in population databases (gnomAD no frequency). Algorithms developed to predict the effect of sequence changes on RNA splicing suggest that this variant may create or strengthen a splice site. For these reasons, this variant has been classified as Pathogenic.

Literature cited by the submitters: PubMed 9090384; PubMed 9632816; PubMed 21031596.